The following is an entry in ClinVar:

NM_001040108.2(MLH3):c.3828-4_3828-3del

Gene: MLH3 (mutL homolog 3; minus strand). Cytogenetic location: 14q24.3.
Variant type: Deletion.
Coding change: c.3828-4_3828-3del on transcript NM_001040108.2 (MANE Select); 4 bases into the intron before coding-DNA position 3828 through 3 bases into the intron before coding-DNA position 3828, 2 bases deleted (TT; older notation c.3828-4_3828-3delTT).
Molecular consequence: intron variant.
Genome position (GRCh38, 1-based): chr14:75,030,705-75,030,706, AA deleted on the plus strand (TT on the coding strand, the reverse complement: MLH3 is on the minus strand); deleting any 2 consecutive bases within chr14:75,030,705-75,030,707 gives the same sequence; the c. name uses the placement nearest the transcript's 3' end. VCF-style (leftmost placement, unchanged base first): chr14-75030704-TAA-T. GRCh37 (hg19) VCF-style: chr14-75497407-TAA-T.
Other names: c.3756-4_3756-3del (NM_014381.3).
Identifiers: ClinVar variation 5024539 (VCV005024539.1).

ClinVar aggregate classification (germline): Uncertain significance (1 of 4 stars; one submission).

Submission:

Ambry Genetics
Classification: Uncertain significance. Last evaluated: 2026-06-22. Review status: criteria provided, single submitter. Criteria: Ambry Variant Classification Scheme 2023. Collection method: clinical testing. Allele origin: germline.
Comment: The c.3828-4_3828-3delTT intronic variant, located in intron 7 of the MLH3 gene, results from a deletion of two nucleotides within intron 7 of the MLH3 gene. These nucleotide positions are not well conserved in available vertebrate species. In silico splice site analysis predicts that this alteration will result in the creation or strengthening of a novel splice acceptor site; however, direct evidence is insufficient at this time (Ambry internal data). Based on the available evidence, the clinical significance of this variant remains unclear.